The following is an entry in ClinVar:

NM_152309.3(PIK3AP1):c.508C>A (p.Pro170Thr)

Gene: PIK3AP1 (phosphoinositide-3-kinase adaptor protein 1; minus strand). Cytogenetic location: 10q24.1.
Variant type: single nucleotide variant.
Coding change: c.508C>A on transcript NM_152309.3 (MANE Select); coding-DNA position 508, C replaced by A.
Protein change: p.Pro170Thr; replaces proline 170 with threonine.
Molecular consequence: missense variant.
Genome position (GRCh38, 1-based): chr10:96,656,857, G>T on the plus strand (C>A on the coding strand, the complement: PIK3AP1 is on the minus strand). VCF-style: chr10-96656857-G-T. GRCh37 (hg19) VCF-style: chr10-98416614-G-T.
Other names: short protein forms P170T.
Identifiers: ClinVar variation 582895 (VCV000582895.9), dbSNP rs150666185, ClinGen allele CA5626529.

ClinVar aggregate classification (germline): Uncertain significance (1 of 4 stars; one submission).

Conditions:
Infantile spasms. Also called: Infantile spasm. Identifiers: MedGen C3887898, HP:0012469.

Allele frequency attached by ClinVar (database versions not stated): gnomAD exomes 0.00001 and 0.00003; ExAC 0.00005; gnomAD 0.00014; TOPMed 0.00014; ESP Exome Variant Server 0.00023; 1000 Genomes Project 0.00040; 1000 Genomes Project 30x 0.00062.

Submission:

Labcorp Genetics (formerly Invitae), Labcorp
Classification: Uncertain significance for Infantile spasms. Last evaluated: 2025-09-10. Review status: criteria provided, single submitter. Criteria: Invitae Variant Classification Sherloc (09022015). Collection method: clinical testing. Allele origin: germline.
Comment: This sequence change replaces proline, which is neutral and non-polar, with threonine, which is neutral and polar, at codon 170 of the PIK3AP1 protein (p.Pro170Thr). This variant is present in population databases (rs150666185, gnomAD 0.04%), and has an allele count higher than expected for a pathogenic variant. This variant has not been reported in the literature in individuals affected with PIK3AP1-related conditions. ClinVar contains an entry for this variant (Variation ID: 582895). An algorithm developed to predict the effect of missense changes on protein structure and function (PolyPhen-2) suggests that this variant is likely to be tolerated. In summary, the available evidence is currently insufficient to determine the role of this variant in disease. Therefore, it has been classified as a Variant of Uncertain Significance.